The following is an entry in ClinVar:

NM_007254.4(PNKP):c.1535G>C (p.Gly512Ala)

Gene: PNKP (polynucleotide kinase 3'-phosphatase; minus strand). Cytogenetic location: 19q13.33.
Variant type: single nucleotide variant.
Coding change: c.1535G>C on transcript NM_007254.4 (MANE Select); coding-DNA position 1535, G replaced by C.
Protein change: p.Gly512Ala; replaces glycine 512 with alanine.
Molecular consequence: missense variant.
Genome position (GRCh38, 1-based): chr19:49,861,279, C>G on the plus strand (G>C on the coding strand, the complement: PNKP is on the minus strand). VCF-style: chr19-49861279-C-G. GRCh37 (hg19) VCF-style: chr19-50364536-C-G.
Other names: short protein forms G512A.
Identifiers: ClinVar variation 2127482 (VCV002127482.4), dbSNP rs751884217, ClinGen allele CA9586316.
Genomic context (GRCh38, chr19:49,861,279, plus strand): 5'-GTTTATTGTGGAGGGGAGCTGGGCGGGGCTCAGCCCTCGGAGAACTGGCAGTACAGCCGC[C>G]CCAGCCTCGGCTCCACCCATAGCCGGAACGGGATCTCCAGGATGGCAGAGAAGCCTTCAG-3'
Protein context (NP_009185.2, residues 502-521): PFRLWVEPRL[Gly512Ala]RLYCQFSEG

ClinVar aggregate classification (germline): Uncertain significance (1 of 4 stars; one submission).

Conditions:
Developmental and epileptic encephalopathy, 12 (DEE12). Identifiers: MedGen C3150988, MONDO:0013389, OMIM 613722.

Allele frequency attached by ClinVar (database versions not stated): ExAC 0.00001.

Submission:

Labcorp Genetics (formerly Invitae), Labcorp
Classification: Uncertain significance for Developmental and epileptic encephalopathy, 12. Last evaluated: 2025-03-17. Review status: criteria provided, single submitter. Criteria: Invitae Variant Classification Sherloc (09022015). Collection method: clinical testing. Allele origin: germline.
Comment: This sequence change replaces glycine, which is neutral and non-polar, with alanine, which is neutral and non-polar, at codon 512 of the PNKP protein (p.Gly512Ala). This variant is present in population databases (rs751884217, gnomAD 0.006%). This variant has not been reported in the literature in individuals affected with PNKP-related conditions. ClinVar contains an entry for this variant (Variation ID: 2127482). Invitae Evidence Modeling of protein sequence and biophysical properties (such as structural, functional, and spatial information, amino acid conservation, physicochemical variation, residue mobility, and thermodynamic stability) indicates that this missense variant is not expected to disrupt PNKP protein function with a negative predictive value of 80%. In summary, the available evidence is currently insufficient to determine the role of this variant in disease. Therefore, it has been classified as a Variant of Uncertain Significance.